The following is an entry in ClinVar:

ClinVar aggregate classification (germline): Benign/Likely benign. Review status: criteria provided, multiple submitters, no conflicts (2 of 4 stars). 13 submissions from 12 submitters: Benign (4); Likely benign (8). 1 of the submissions does not count toward it. Last evaluated 2026-09-01.

Conditions:
Glycogen storage disease IV, classic hepatic. Also called: GSD IV, CLASSIC HEPATIC. Identifiers: MedGen C1856301.
Glycogen storage disease, type IV (GSD4). Also called: Glycogen storage disease due to glycogen branching enzyme deficiency; AMYLOPECTINOSIS; ANDERSEN DISEASE; BRANCHER DEFICIENCY; CIRRHOSIS, FAMILIAL, WITH DEPOSITION OF ABNORMAL GLYCOGEN; GBE1 DEFICIENCY. Identifiers: Orphanet 367, MedGen C0017923, MONDO:0009292, OMIM 232500.
Adult polyglucosan body disease (APBN). Also called: POLYGLUCOSAN BODY DISEASE, ADULT FORM; GBE1-Adult Polyglucosan Body Disease. Identifiers: Orphanet 206583, MedGen C1849722, MONDO:0009897, OMIM 263570.

Allele frequency attached by ClinVar (database versions not stated): TOPMed 0.00232; ESP Exome Variant Server 0.00242; 1000 Genomes Project 30x 0.00297; 1000 Genomes Project 0.00319; gnomAD exomes 0.00330 and 0.00408; gnomAD 0.00370 and 0.00388; ExAC 0.00386.
gnomAD v4.1: 5,384 of 1,612,910 alleles (0.33%); highest among the groups gnomAD compares: Admixed American, 0.35%; 26 homozygotes.

Submissions (13):

CeGaT Center for Human Genetics Tuebingen
Classification: Likely benign. Last evaluated: 2026-09-01. Review status: criteria provided, single submitter. Criteria: CeGaT Center For Human Genetics Tuebingen Variant Classification Criteria Version 2. Collection method: clinical testing. Allele origin: germline. Affected: yes. Observed: 8 variant alleles.
Comment: GBE1: PP3, BS2

Labcorp Genetics (formerly Invitae), Labcorp
Classification: Benign for Glycogen storage disease, type IV; Glycogen storage disease IV, classic hepatic. Last evaluated: 2026-02-02. Review status: criteria provided, single submitter. Criteria: Invitae Variant Classification Sherloc (09022015). Collection method: clinical testing. Allele origin: germline.

Blueprint Genetics
Classification: Likely benign. Last evaluated: 2024-11-25. Review status: criteria provided, single submitter. Criteria: ACMG Guidelines, 2015. Collection method: clinical testing. Allele origin: germline.

ARUP Laboratories, Molecular Genetics and Genomics, ARUP Laboratories
Classification: Likely benign. Last evaluated: 2023-08-23. Review status: criteria provided, single submitter. Criteria: ARUP Molecular Germline Variant Investigation Process 2024. Collection method: clinical testing. Allele origin: germline.

Fulgent Genetics
Classification: Likely benign for Glycogen storage disease, type IV; Adult polyglucosan body disease. Last evaluated: 2022-04-07. Review status: criteria provided, single submitter. Criteria: ACMG Guidelines, 2015. Collection method: clinical testing. Allele origin: unknown.

Mayo Clinic Laboratories, Mayo Clinic
Classification: Benign. Last evaluated: 2019-12-16. Review status: criteria provided, single submitter. Criteria: ACMG Guidelines, 2015. Collection method: clinical testing. Allele origin: germline. Observed: 18 variant alleles.

Illumina Laboratory Services, Illumina
Classification: Likely benign for Glycogen storage disease, type IV. Last evaluated: 2018-01-13. Review status: criteria provided, single submitter. Criteria: ICSL Variant Classification Criteria 13 December 2019. Collection method: clinical testing. Allele origin: germline.
Comment: This variant was observed in the ICSL laboratory as part of a predisposition screen in an ostensibly healthy population. It had not been previously curated by ICSL or reported in the Human Gene Mutation Database (HGMD: prior to June 1st, 2018), and was therefore a candidate for classification through an automated scoring system. Utilizing variant allele frequency, disease prevalence and penetrance estimates, and inheritance mode, an automated score was calculated to assess if this variant is too frequent to cause the disease. Based on the score and internal cut-off values, a variant classified as likely benign is not then subjected to further curation. The score for this variant resulted in a classification of likely benign for this disease.

Illumina Laboratory Services, Illumina
Classification: Likely benign for Adult polyglucosan body disease. Last evaluated: 2018-01-13. Review status: criteria provided, single submitter. Criteria: ICSL Variant Classification Criteria 13 December 2019. Collection method: clinical testing. Allele origin: germline.
Comment: the same text as in the submission from Illumina Laboratory Services, Illumina above.

GeneDx
Classification: Benign. Last evaluated: 2016-12-27. Review status: criteria provided, single submitter. Criteria: GeneDx Variant Classification (06012015). Collection method: clinical testing. Allele origin: germline. Affected: yes.
Comment: This variant is considered likely benign or benign based on one or more of the following criteria: it is a conservative change, it occurs at a poorly conserved position in the protein, it is predicted to be benign by multiple in silico algorithms, and/or has population frequency not consistent with disease.

PreventionGenetics, part of Exact Sciences
Classification: Likely benign. Last evaluated: 2016-04-13. Review status: criteria provided, single submitter. Criteria: ACMG Guidelines, 2015. Collection method: clinical testing. Allele origin: germline.

Eurofins Ntd Llc (ga)
Classification: Benign. Last evaluated: 2015-07-17. Review status: criteria provided, single submitter. Criteria: EGL Classification Definitions 2015. Collection method: clinical testing. Allele origin: germline. Observed: 1 variant allele, 1 heterozygote.

Breakthrough Genomics
Classification: Likely benign. Review status: criteria provided, single submitter. Criteria: ACMG Guidelines, 2015. Collection method: not provided. Allele origin: germline. Inheritance: Autosomal recessive inheritance. Affected: yes.

Natera, Inc.
Classification: Likely benign for Glycogen storage disease type IV. Last evaluated: 2019-12-10. Review status: no assertion criteria provided. Collection method: clinical testing. Allele origin: germline. Not counted in ClinVar's aggregate classification.

NM_000158.4(GBE1):c.839G>A (p.Gly280Asp)

Gene: GBE1 (1,4-alpha-glucan branching enzyme 1; minus strand). Cytogenetic location: 3p12.2.
Variant type: single nucleotide variant.
Coding change: c.839G>A on transcript NM_000158.4 (MANE Select); coding-DNA position 839, G replaced by A.
Protein change: p.Gly280Asp; replaces glycine 280 with aspartic acid.
Molecular consequence: missense variant.
Genome position (GRCh38, 1-based): chr3:81,642,934, C>T on the plus strand (G>A on the coding strand, the complement: GBE1 is on the minus strand). VCF-style: chr3-81642934-C-T. GRCh37 (hg19) VCF-style: chr3-81692085-C-T.
Other names: p.Gly280Asp; short protein forms G280D.
Identifiers: ClinVar variation 255392 (VCV000255392.51), dbSNP rs28763902, ClinGen allele CA2499846.